The following is an entry in ClinVar:

NM_144666.3(DNHD1):c.10050GCA[3] (p.Gln3352_Val3353insGln)

Gene: DNHD1 (dynein heavy chain domain 1; plus strand). Cytogenetic location: 11p15.4.
Variant type: Microsatellite.
Coding change: c.10050GCA[3] on transcript NM_144666.3 (MANE Select); three copies in a row of the 3-base unit GCA starting at c.10050; the reference has two copies in a row; one copy, 3 bases duplicated.
Protein change: p.Gln3352_Val3353insGln.
Genome position (GRCh38, 1-based): chr11:6,563,893-6,563,895, GCA duplicated; duplicating any 3 consecutive bases within chr11:6,563,890-6,563,895 gives the same sequence; the position shown is the placement nearest the transcript's 3' end. VCF-style (leftmost placement, unchanged base first): chr11-6563889-T-TGCA. GRCh37 (hg19) VCF-style: chr11-6585119-T-TGCA.
Identifiers: ClinVar variation 3366011 (VCV003366011.1).
Genomic context (GRCh38, chr11:6,563,889, plus strand): 5'-TCTGGGCTGTTCTGCACTATGGGCTGGCGCATTGCCGGGGACTGCCCACGGACCTGCTGC[T>TGCA]GCAGCAAGTGGAGGCAACACTCACTCGGGAGCAGGCCCGCCTGGGCTACTACCAGTTTCA-3'

ClinVar aggregate classification (germline): Uncertain significance (1 of 4 stars; one submission).

Submission:

GeneDx
Classification: Uncertain significance. Last evaluated: 2023-10-18. Review status: criteria provided, single submitter. Criteria: GeneDx Variant Classification Process June 2021. Collection method: clinical testing. Allele origin: germline. Affected: yes.
Comment: Has not been previously published as pathogenic or benign to our knowledge; Variants in candidate genes are classified as variants of uncertain significance in accordance with ACMG guidelines (Richards et al., 2015)